The following is an entry in ClinVar:

NM_001032382.2(PQBP1):c.451A>G (p.Arg151Gly)

Gene: PQBP1 (polyglutamine binding protein 1; plus strand). Cytogenetic location: Xp11.23.
Variant type: single nucleotide variant.
Coding change: c.451A>G on transcript NM_001032382.2 (MANE Select); coding-DNA position 451, A replaced by G.
Protein change: p.Arg151Gly; replaces arginine 151 with glycine.
Molecular consequence: missense variant. On other transcripts: intron variant (3).
Genome position (GRCh38, 1-based): chrX:48,902,391, A>G. VCF-style: chrX-48902391-A-G. GRCh37 (hg19) VCF-style: chrX-48759668-A-G.
Other names: c.427A>G, p.Arg143Gly (NM_001167990.2); c.451A>G, p.Arg151Gly (NM_005710.2, NM_001032381.2, NM_001032383.2 and 2 more transcripts); c.293-341A>G (NM_144495.3, NM_001437502.1); c.202-51A>G (NM_001167992.1); short protein forms R143G, R151G.
Identifiers: ClinVar variation 4767056 (VCV004767056.1).

ClinVar aggregate classification (germline): Uncertain significance (1 of 4 stars; one submission).

Submission:

Labcorp Genetics (formerly Invitae), Labcorp
Classification: Uncertain significance. Last evaluated: 2025-10-05. Review status: criteria provided, single submitter. Criteria: Invitae Variant Classification Sherloc (09022015). Collection method: clinical testing. Allele origin: germline.
Comment: This sequence change replaces arginine, which is basic and polar, with glycine, which is neutral and non-polar, at codon 151 of the PQBP1 protein (p.Arg151Gly). This variant is not present in population databases (gnomAD no frequency). This variant has not been reported in the literature in individuals affected with PQBP1-related conditions. Invitae Evidence Modeling of protein sequence and biophysical properties (such as structural, functional, and spatial information, amino acid conservation, physicochemical variation, residue mobility, and thermodynamic stability) indicates that this missense variant is not expected to disrupt PQBP1 protein function with a negative predictive value of 80%. In summary, the available evidence is currently insufficient to determine the role of this variant in disease. Therefore, it has been classified as a Variant of Uncertain Significance.